The following is an entry in ClinVar:

NC_000005.10:g.(?_36953616)_(37017182_?)del

Gene: NIPBL (NIPBL cohesin loading factor; plus strand). Cytogenetic location: 5p13.2.
Variant type: Deletion.
Identifiers: ClinVar variation 832382 (VCV000832382.5).

ClinVar aggregate classification (germline): Pathogenic (1 of 4 stars; one submission).

Conditions:
Cornelia de Lange syndrome 1 (CDLS1). Also called: TYPUS DEGENERATIVUS AMSTELODAMENSIS; Brachmann de Lange syndrome; NIPBL-Related Cornelia de Lange Syndrome. Identifiers: Orphanet 199, MedGen C4551851, MONDO:0007387, OMIM 122470.

Submission:

Labcorp Genetics (formerly Invitae), Labcorp
Classification: Pathogenic for Cornelia de Lange syndrome 1. Last evaluated: 2019-04-18. Review status: criteria provided, single submitter. Criteria: Invitae Variant Classification Sherloc (09022015). Collection method: clinical testing. Allele origin: germline.
Comment: This variant has not been reported in the literature in individuals with NIPBL-related conditions. This variant is a gross deletion of the genomic region encompassing exons 2-24 of the NIPBL gene, which includes the initiator codon. The 5' end of this event is unknown as it extends beyond the assayed region for this gene and therefore may encompass additional genes. The 3' boundary is likely confined to intron 24 of the NIPBL gene. This is expected to result in an absent or disrupted protein product. Loss-of-function variants in NIPBL are known to be pathogenic (PMID: 15318302, 19763162, 23505322, 29995837). For these reasons, this variant has been classified as Pathogenic.

Literature cited by the submitters: PubMed 15318302; PubMed 19763162; PubMed 23505322; PubMed 29995837.